The following is an entry in ClinVar:

ClinVar aggregate classification (germline): Uncertain significance (1 of 4 stars; one submission).

Conditions:
Paget disease of bone 2, early-onset (PDB2). Also called: Paget disease of bone 2. Identifiers: MedGen C4085251, MONDO:0011183, OMIM 602080.
Frontotemporal dementia and/or amyotrophic lateral sclerosis 1 (FTDALS1). Also called: C9orf72 Frontotemporal Dementia and/or Amyotrophic Lateral Sclerosis; Frontotemporal dementia with motor neuron disease 1. Identifiers: Orphanet 275872, MedGen C5779877, MONDO:0007105, OMIM 105550.

gnomAD v4.1: 5 of 1,550,102 alleles (0.00032%); highest among the groups gnomAD compares: Non-Finnish European, 0.00043%; no homozygotes.

Submission:

Labcorp Genetics (formerly Invitae), Labcorp
Classification: Uncertain significance for Paget disease of bone 2, early-onset; Frontotemporal dementia and/or amyotrophic lateral sclerosis 1. Last evaluated: 2024-11-18. Review status: criteria provided, single submitter. Criteria: Invitae Variant Classification Sherloc (09022015). Collection method: clinical testing. Allele origin: germline.
Comment: This sequence change replaces alanine, which is neutral and non-polar, with glycine, which is neutral and non-polar, at codon 35 of the SQSTM1 protein (p.Ala35Gly). This variant is not present in population databases (gnomAD no frequency). This variant has not been reported in the literature in individuals affected with SQSTM1-related conditions. ClinVar contains an entry for this variant (Variation ID: 1713579). An algorithm developed to predict the effect of missense changes on protein structure and function (PolyPhen-2) suggests that this variant is likely to be tolerated. In summary, the available evidence is currently insufficient to determine the role of this variant in disease. Therefore, it has been classified as a Variant of Uncertain Significance.

NM_003900.5(SQSTM1):c.104C>G (p.Ala35Gly)

Gene: SQSTM1 (sequestosome 1; plus strand). Cytogenetic location: 5q35.3.
Variant type: single nucleotide variant.
Coding change: c.104C>G on transcript NM_003900.5 (MANE Select); coding-DNA position 104, C replaced by G.
Protein change: p.Ala35Gly; replaces alanine 35 with glycine.
Molecular consequence: missense variant. On other transcripts: intron variant (2).
Genome position (GRCh38, 1-based): chr5:179,821,040, C>G. VCF-style: chr5-179821040-C-G. GRCh37 (hg19) VCF-style: chr5-179248040-C-G.
Other names: c.-47-1918C>G (NM_001142298.2, NM_001142299.2); short protein forms A35G.
Identifiers: ClinVar variation 1713579 (VCV001713579.5), dbSNP rs2480199053, ClinGen allele CA362442369.
Genomic context (GRCh38, chr5:179,821,040, plus strand): 5'-ACGCGGCGCGCGAGATTCGCCGCTTCAGCTTCTGCTGCAGCCCCGAGCCTGAGGCGGAAG[C>G]CGAGGCTGCGGCGGGTCCGGGACCCTGCGAGCGGCTGCTGAGCCGGGTGGCCGCCCTGTT-3'
Protein context (NP_003891.1, residues 25-45): FCCSPEPEAE[Ala35Gly]EAAAGPGPCE